The following is an entry in ClinVar:

ClinVar aggregate classification (germline): Uncertain significance (1 of 4 stars; one submission).

Allele frequency attached by ClinVar (database versions not stated): gnomAD exomes below 0.00001.
gnomAD v4.1: 1 of 1,613,838 alleles (0.000062%); highest among the groups gnomAD compares: Non-Finnish European, 0.000085%; no homozygotes.

Submission:

Ambry Genetics
Classification: Uncertain significance. Last evaluated: 2023-04-30. Review status: criteria provided, single submitter. Criteria: Ambry Variant Classification Scheme 2023. Collection method: clinical testing. Allele origin: germline.
Comment: The p.P1737S variant (also known as c.5209C>T), located in coding exon 16 of the POLQ gene, results from a C to T substitution at nucleotide position 5209. The proline at codon 1737 is replaced by serine, an amino acid with similar properties. This amino acid position is conserved. In addition, this alteration is predicted to be tolerated by in silico analysis. Since supporting evidence is limited at this time, the clinical significance of this alteration remains unclear.

NM_199420.4(POLQ):c.5209C>T (p.Pro1737Ser)

Gene: POLQ (DNA polymerase theta; minus strand). Cytogenetic location: 3q13.33.
Variant type: single nucleotide variant.
Coding change: c.5209C>T on transcript NM_199420.4 (MANE Select); coding-DNA position 5209, C replaced by T.
Protein change: p.Pro1737Ser; replaces proline 1737 with serine.
Molecular consequence: missense variant.
Genome position (GRCh38, 1-based): chr3:121,487,722, G>A on the plus strand (C>T on the coding strand, the complement: POLQ is on the minus strand). VCF-style: chr3-121487722-G-A. GRCh37 (hg19) VCF-style: chr3-121206569-G-A.
Other names: short protein forms P1737S.
Identifiers: ClinVar variation 2561753 (VCV002561753.2), dbSNP rs757617535, ClinGen allele CA354090910.
Genomic context (GRCh38, chr3:121,487,722, plus strand): 5'-CAGGTGTTTCAAGAATCCCTGGAAATGTCAGCTTAGAAGCAGATGTTGGAATGGGTGTAG[G>A]AGGAATGAGACCATTATCATCAACTATATTACTTTCTTTACGAGGTAAGAGGGATGAGGT-3'
Protein context (NP_955452.3, residues 1727-1747): NIVDDNGLIP[Pro1737Ser]TPIPTSASKL